The following is an entry in ClinVar:

NM_152703.5(SAMD9L):c.4079T>C (p.Ile1360Thr)

Gene: SAMD9L (sterile alpha motif domain containing 9 like; minus strand). Cytogenetic location: 7q21.2.
Variant type: single nucleotide variant.
Coding change: c.4079T>C on transcript NM_152703.5 (MANE Select); coding-DNA position 4079, T replaced by C.
Protein change: p.Ile1360Thr; replaces isoleucine 1360 with threonine.
Molecular consequence: missense variant.
Genome position (GRCh38, 1-based): chr7:93,131,893, A>G on the plus strand (T>C on the coding strand, the complement: SAMD9L is on the minus strand). VCF-style: chr7-93131893-A-G. GRCh37 (hg19) VCF-style: chr7-92761206-A-G.
Other names: p.Ile1360Thr; c.4079T>C, p.Ile1360Thr (NM_001303496.3, NM_001303497.3, NM_001303498.3 and 5 more transcripts); short protein forms I1360T.
Identifiers: ClinVar variation 3792373 (VCV003792373.3).

ClinVar aggregate classification (germline): Uncertain significance. Review status: criteria provided, multiple submitters, no conflicts (2 of 4 stars). 3 submissions from 3 submitters: Uncertain significance (3). Last evaluated 2025-10-27.

Conditions:
Inborn genetic diseases. Identifiers: MedGen C0950123, MeSH D030342.

gnomAD v4.1: 1 of 1,612,512 alleles (0.000062%); highest among the groups gnomAD compares: Non-Finnish European, 0.000085%; no homozygotes.

Submissions (3):

Labcorp Genetics (formerly Invitae), Labcorp
Classification: Uncertain significance. Last evaluated: 2025-10-27. Review status: criteria provided, single submitter. Criteria: Invitae Variant Classification Sherloc (09022015). Collection method: clinical testing. Allele origin: germline.
Comment: This sequence change replaces isoleucine, which is neutral and non-polar, with threonine, which is neutral and polar, at codon 1360 of the SAMD9L protein (p.Ile1360Thr). This variant is present in population databases (rs781674416, gnomAD 0.0009%). This variant has not been reported in the literature in individuals affected with SAMD9L-related conditions. ClinVar contains an entry for this variant (Variation ID: 3792373). Invitae Evidence Modeling of protein sequence and biophysical properties (such as structural, functional, and spatial information, amino acid conservation, physicochemical variation, residue mobility, and thermodynamic stability) indicates that this missense variant is expected to disrupt SAMD9L protein function with a positive predictive value of 80%. In summary, the available evidence is currently insufficient to determine the role of this variant in disease. Therefore, it has been classified as a Variant of Uncertain Significance.

Mayo Clinic Laboratories, Mayo Clinic
Classification: Uncertain significance. Last evaluated: 2025-09-22. Review status: criteria provided, single submitter. Criteria: ACMG Guidelines, 2015. Collection method: clinical testing. Allele origin: germline. Observed: 1 variant allele.
Comment: BP4, PM2_supporting

Ambry Genetics
Classification: Uncertain significance for Inborn genetic diseases. Last evaluated: 2025-01-31. Review status: criteria provided, single submitter. Criteria: Ambry Variant Classification Scheme 2023. Collection method: clinical testing. Allele origin: germline.
Comment: The p.I1360T variant (also known as c.4079T>C), located in coding exon 1 of the SAMD9L gene, results from a T to C substitution at nucleotide position 4079. The isoleucine at codon 1360 is replaced by threonine, an amino acid with similar properties. This amino acid position is conserved. In addition, this alteration is predicted to be tolerated by in silico analysis. Based on the available evidence, the clinical significance of this variant remains unclear.